The following is an entry in ClinVar:

ClinVar aggregate classification (germline): Pathogenic (1 of 4 stars; one submission).

Conditions:
Nemaline myopathy 2 (NEM2). Also called: Nemaline myopathy 2, autosomal recessive. Identifiers: MedGen C1850569, MONDO:0009725, OMIM 256030.

gnomAD v4.1: 1 of 1,611,076 alleles (0.000062%); highest among the groups gnomAD compares: South Asian, 0.0011%; no homozygotes.

Submission:

Myriad Genetics, Inc.
Classification: Pathogenic for Nemaline myopathy 2. Last evaluated: 2026-08-27. Review status: criteria provided, single submitter. Criteria: Myriad Autosomal Dominant, Autosomal Recessive and X-Linked Classification Criteria (2023). Collection method: clinical testing. Allele origin: unknown.
Comment: NM_001271208.1(NEB):c.8180G>A(W2727*) is expected to be pathogenic in the context of NEB-related nemaline myopathy. This variant is predicted to lead to an abnormal or absent protein product due to the creation of a premature termination codon in NEB, a gene where loss-of-function variants are known to be pathogenic. Please note: this variant was assessed in the context of healthy population screening.

NM_001164508.2(NEB):c.8180G>A (p.Trp2727Ter)

Gene: NEB (nebulin; minus strand). Cytogenetic location: 2q23.3.
Variant type: single nucleotide variant.
Coding change: c.8180G>A on transcript NM_001164508.2 (MANE Select); coding-DNA position 8180, G replaced by A.
Protein change: p.Trp2727Ter; replaces tryptophan 2727 with a stop codon.
Molecular consequence: nonsense.
Genome position (GRCh38, 1-based): chr2:151,642,850, C>T on the plus strand (G>A on the coding strand, the complement: NEB is on the minus strand). VCF-style: chr2-151642850-C-T. GRCh37 (hg19) VCF-style: chr2-152499364-C-T.
Other names: c.8180G>A, p.Trp2727Ter (NM_001164507.2, NM_001271208.2, NM_004543.5); short protein forms W2727*.
Identifiers: ClinVar variation 5016286 (VCV005016286.1).